The following is an entry in ClinVar:

NM_058216.3(RAD51C):c.390A>C (p.Gly130=)

Gene: RAD51C (RAD51 paralog C; plus strand). Cytogenetic location: 17q22.
Variant type: single nucleotide variant.
Coding change: c.390A>C on transcript NM_058216.3 (MANE Select); coding-DNA position 390, A replaced by C.
Protein change: p.Gly130=; no amino-acid change (glycine 130 retained).
Molecular consequence: synonymous variant. On other transcripts: non-coding transcript variant (2).
Genome position (GRCh38, 1-based): chr17:58,695,175, A>C. VCF-style: chr17-58695175-A-C. GRCh37 (hg19) VCF-style: chr17-56772536-A-C.
Other names: c.390A>C, p.Gly130= (NM_002876.4, NM_058217.1).
Identifiers: ClinVar variation 2024530 (VCV002024530.6), dbSNP rs2143727600, ClinGen allele CA501074812.

ClinVar aggregate classification (germline): Benign/Likely benign. Review status: criteria provided, multiple submitters, no conflicts (2 of 4 stars). 3 submissions from 3 submitters: Benign (1); Likely benign (2). Last evaluated 2025-05-19.

Conditions:
Breast-ovarian cancer, familial, susceptibility to, 3. Also called: RAD51C-Related Breast/Ovarian Cancer. Identifiers: Orphanet 145, MedGen C3150659, MONDO:0013253, OMIM 613399.
Hereditary cancer-predisposing syndrome. Also called: Neoplastic Syndromes, Hereditary; Hereditary Cancer Syndrome; Tumor predisposition; Hereditary neoplastic syndrome. Identifiers: Orphanet 140162, MedGen C0027672, MeSH D009386, MONDO:0015356.
Fanconi anemia complementation group O. Also called: RAD51C-Related Fanconi Anemia. Identifiers: Orphanet 84, MedGen C3150653, MONDO:0013248, OMIM 613390.

Submissions (3):

Ambry Genetics
Classification: Likely benign for Hereditary cancer-predisposing syndrome. Last evaluated: 2025-05-19. Review status: criteria provided, single submitter. Criteria: Ambry Variant Classification Scheme 2023. Collection method: clinical testing. Allele origin: germline.

Myriad Genetics, Inc.
Classification: Benign for Breast-ovarian cancer, familial, susceptibility to, 3. Last evaluated: 2025-02-14. Review status: criteria provided, single submitter. Criteria: Myriad Autosomal Dominant, Autosomal Recessive and X-Linked Classification Criteria (2023). Collection method: clinical testing. Allele origin: unknown.
Comment: This variant is considered benign. This variant is a silent/synonymous amino acid change and it is not expected to impact splicing.

Labcorp Genetics (formerly Invitae), Labcorp
Classification: Likely benign for Fanconi anemia complementation group O. Last evaluated: 2022-08-18. Review status: criteria provided, single submitter. Criteria: Invitae Variant Classification Sherloc (09022015). Collection method: clinical testing. Allele origin: germline.